The following is an entry in ClinVar:

NM_024675.4(PALB2):c.828C>T (p.His276=)

Gene: PALB2 (partner and localizer of BRCA2; minus strand). Cytogenetic location: 16p12.2.
Variant type: single nucleotide variant.
Coding change: c.828C>T on transcript NM_024675.4 (MANE Select); coding-DNA position 828, C replaced by T.
Protein change: p.His276=; no amino-acid change (histidine 276 retained).
Molecular consequence: synonymous variant.
Genome position (GRCh38, 1-based): chr16:23,635,718, G>A on the plus strand (C>T on the coding strand, the complement: PALB2 is on the minus strand). VCF-style: chr16-23635718-G-A. GRCh37 (hg19) VCF-style: chr16-23647039-G-A.
Identifiers: ClinVar variation 461024 (VCV000461024.70), dbSNP rs911713488, ClinGen allele CA279499381.

ClinVar aggregate classification (germline): Conflicting classifications of pathogenicity. Review status: criteria provided, conflicting classifications (1 of 4 stars). 11 submissions from 10 submitters: Uncertain significance (1); Benign (1); Likely benign (7). 2 of the submissions do not count toward it. Last evaluated 2025-08-25.

Conditions:
Familial ovarian cancer. Identifiers: MedGen C5679802, MONDO:0016248.
Fanconi anemia complementation group N. Also called: PALB2-Related Fanconi Anemia. Identifiers: Orphanet 84, MedGen C1835817, MONDO:0012565, OMIM 610832. Disease mechanism: loss of function.
Malignant tumor of breast. Also called: Cancer breast; Malignant breast neoplasm. Identifiers: MedGen C0006142, MONDO:0007254. Disease mechanism: loss of function.
Familial cancer of breast. Also called: hereditary breast carcinoma; Hereditary breast cancer; BREAST CANCER, FAMILIAL. Identifiers: Orphanet 227535, MedGen C0346153, MONDO:0016419, OMIM 114480. Disease mechanism: loss of function.
Hereditary cancer-predisposing syndrome. Also called: Hereditary neoplastic syndrome; Neoplastic Syndromes, Hereditary; Hereditary Cancer Syndrome; Tumor predisposition. Identifiers: Orphanet 140162, MedGen C0027672, MeSH D009386, MONDO:0015356.

Allele frequency attached by ClinVar (database versions not stated): gnomAD 0.00001; gnomAD exomes 0.00001; TOPMed 0.00001.
gnomAD v4.1: 8 of 1,613,986 alleles (0.0005%); highest among the groups gnomAD compares: South Asian, 0.0022%; no homozygotes.

Submissions (11):

Labcorp Genetics (formerly Invitae), Labcorp
Classification: Likely benign for Familial cancer of breast. Last evaluated: 2025-08-25. Review status: criteria provided, single submitter. Criteria: Invitae Variant Classification Sherloc (09022015). Collection method: clinical testing. Allele origin: germline.

Myriad Genetics, Inc.
Classification: Benign for Familial cancer of breast. Last evaluated: 2025-01-10. Review status: criteria provided, single submitter. Criteria: Myriad Autosomal Dominant, Autosomal Recessive and X-Linked Classification Criteria (2023). Collection method: clinical testing. Allele origin: unknown.
Comment: This variant is considered benign. This variant is a silent/synonymous amino acid change and it is not expected to impact splicing.

Blueprint Genetics
Classification: Likely benign. Last evaluated: 2024-07-10. Review status: criteria provided, single submitter. Criteria: ACMG Guidelines, 2015. Collection method: clinical testing. Allele origin: germline.

Sema4
Classification: Likely benign for Hereditary cancer-predisposing syndrome. Last evaluated: 2021-11-17. Review status: criteria provided, single submitter. Criteria: Sema4 Curation Guidelines. Collection method: curation. Allele origin: germline.

Color Diagnostics, LLC DBA Color Health
Classification: Likely benign for Hereditary cancer-predisposing syndrome. Last evaluated: 2021-05-10. Review status: criteria provided, single submitter. Criteria: ACMG Guidelines, 2015. Collection method: clinical testing. Allele origin: germline.

CeGaT Center for Human Genetics Tuebingen
Classification: Likely benign. Last evaluated: 2020-03-01. Review status: criteria provided, single submitter. Criteria: CeGaT Center For Human Genetics Tuebingen Variant Classification Criteria Version 2. Collection method: clinical testing. Allele origin: germline. Affected: yes. Observed: 1 variant allele.

GeneDx
Classification: Likely benign. Last evaluated: 2020-02-28. Review status: criteria provided, single submitter. Criteria: GeneDx Variant Classification Process June 2021. Collection method: clinical testing. Allele origin: germline. Affected: yes.

Illumina Laboratory Services, Illumina
Classification: Uncertain significance for Fanconi anemia complementation group N. Last evaluated: 2018-01-13. Review status: criteria provided, single submitter. Criteria: ICSL Variant Classification Criteria 13 December 2019. Collection method: clinical testing. Allele origin: germline.

Ambry Genetics
Classification: Likely benign for Hereditary cancer-predisposing syndrome. Last evaluated: 2016-01-19. Review status: criteria provided, single submitter. Criteria: Ambry Variant Classification Scheme 2023. Collection method: clinical testing. Allele origin: germline.

Department of Pathology and Laboratory Medicine, Sinai Health System
Classification: Likely benign for Malignant tumor of breast. Review status: no assertion criteria provided. Collection method: clinical testing. Allele origin: unknown. Affected: yes. Observed: 1 variant allele. Study: The Canadian Open Genetics Repository (COGR). Not counted in ClinVar's aggregate classification.
Comment: The PALB2 p.His276= variant was not identified in the literature nor was it identified in the MutDB, LOVD 3.0, or the Zhejiang University Database. The variant was identified in dbSNP (ID: rs911713488) as â€šÃ„ÃºNAâ€šÃ„Ã¹, in ClinVar and Clinvitae (2x as likely benign by Invitae and Ambry Genetics) and Cosmic (1x as "neutralâ€šÃ„Ã¹, Confirmed somatic adenocarcinoma in prostate) databases. The variant was identified in control databases in 1 of 246200 chromosomes at a frequency of 0.000004 (Genome Aggregation Database Feb 27, 2017). Specifically the variant was observed in the South Asian population in 1 of 30782 chromosomes (freq: 0.000032), while the variant was not observed in the African, Other, Latino, European Non-Finnish, Ashkenazi Jewish, East Asian, or Finnish populations. The p.His276= variant is not expected to have clinical significance because it does not result in a change of amino acid and is not located in a known consensus splice site. However, this information is not predictive enough to rule out pathogenicity. In addition, in silico or computational prediction software programs (SpliceSiteFinder, MaxEntScan, NNSPLICE, GeneSplicer, HumanSpliceFinder) do not predict a difference in splicing. In summary, based on the above information the clinical significance of this variant cannot be determined with certainty at this time although we would lean towards a more benign role for this variant. This variant is classified as likely benign.

Department of Pathology and Laboratory Medicine, Sinai Health System
Classification: Likely benign for Familial ovarian cancer. Review status: no assertion criteria provided. Collection method: clinical testing. Allele origin: unknown. Affected: yes. Observed: 1 variant allele. Study: The Canadian Open Genetics Repository (COGR). Not counted in ClinVar's aggregate classification.
Comment: the same text as in the submission from Department of Pathology and Laboratory Medicine, Sinai Health System above.